The following is an entry in ClinVar:

NM_001167600.3(NEU4):c.430G>A (p.Glu144Lys)

Gene: NEU4 (neuraminidase 4; plus strand). Cytogenetic location: 2q37.3.
Variant type: single nucleotide variant.
Coding change: c.430G>A on transcript NM_001167600.3 (MANE Select); coding-DNA position 430, G replaced by A.
Protein change: p.Glu144Lys; replaces glutamic acid 144 with lysine.
Molecular consequence: missense variant.
Genome position (GRCh38, 1-based): chr2:241,815,120, G>A. VCF-style: chr2-241815120-G-A. GRCh37 (hg19) VCF-style: chr2-242756317-G-A.
Other names: c.469G>A, p.Glu157Lys (NM_001167599.3); c.430G>A, p.Glu144Lys (NM_001167601.3, NM_001167602.3); c.466G>A, p.Glu156Lys (NM_080741.4); short protein forms E144K, E156K, E157K.
Identifiers: ClinVar variation 2652118 (VCV002652118.24), dbSNP rs116702646, ClinGen allele CA2222875.
Genomic context (GRCh38, chr2:241,815,120, plus strand): 5'-CTCTGCTGTGTGGCCAGCCGTGACGCCGGCCTCTCGTGGGGCAGCGCCCGGGACCTCACC[G>A]AGGAGGCCATCGGTGGTGCCGTGCAGGGTAGGCGGGCAGGGTGCCGGTCTGGGTCCCTTT-3'
Protein context (NP_001161072.1, residues 134-154): LSWGSARDLT[Glu144Lys]EAIGGAVQDW

ClinVar aggregate classification (germline): Likely benign (1 of 4 stars; one submission).

Allele frequency attached by ClinVar (database versions not stated): TOPMed 0.00518; gnomAD 0.00540; ESP Exome Variant Server 0.00541; ExAC 0.01029; 1000 Genomes Project 30x 0.00250; 1000 Genomes Project 0.00280.

Submission:

CeGaT Center for Human Genetics Tuebingen
Classification: Likely benign. Last evaluated: 2022-12-01. Review status: criteria provided, single submitter. Criteria: CeGaT Center For Human Genetics Tuebingen Variant Classification Criteria Version 2. Collection method: clinical testing. Allele origin: germline. Affected: yes. Observed: 1 variant allele.
Comment: NEU4: BS2